The following is an entry in ClinVar:

NM_018489.3(ASH1L):c.7421+4G>A

Gene: ASH1L (ASH1 like histone lysine methyltransferase; minus strand). Cytogenetic location: 1q22.
Variant type: single nucleotide variant.
Coding change: c.7421+4G>A on transcript NM_018489.3 (MANE Select); 4 bases into the intron after coding-DNA position 7421, G replaced by A.
Molecular consequence: intron variant.
Genome position (GRCh38, 1-based): chr1:155,349,538, C>T on the plus strand (G>A on the coding strand, the complement: ASH1L is on the minus strand). VCF-style: chr1-155349538-C-T. GRCh37 (hg19) VCF-style: chr1-155319329-C-T.
Other names: c.7436+4G>A (NM_001366177.2).
Identifiers: ClinVar variation 3257657 (VCV003257657.17).
Genomic context (GRCh38, chr1:155,349,538, plus strand): 5'-GTGTCAATCTGGCACACTTAGCACTTTTTAAAAACTCAGATGATTCCCACAAATGTGAAC[C>T]TACTTTTTCTTTGGGGGAAGGTTCAAAAGTGGAGCTGCCAGTGCTTGCCGGGAAGAATCT-3'

ClinVar aggregate classification (germline): Likely benign (1 of 4 stars; one submission).

gnomAD v4.1: 136 of 1,613,862 alleles (0.0084%); highest among the groups gnomAD compares: Non-Finnish European, 0.011%; no homozygotes.

Submission:

CeGaT Center for Human Genetics Tuebingen
Classification: Likely benign. Last evaluated: 2024-07-01. Review status: criteria provided, single submitter. Criteria: CeGaT Center For Human Genetics Tuebingen Variant Classification Criteria Version 2. Collection method: clinical testing. Allele origin: germline. Affected: yes. Observed: 1 variant allele.
Comment: ASH1L: BP4